The following is an entry in ClinVar:

ClinVar aggregate classification (germline): Benign. Review status: criteria provided, multiple submitters, no conflicts (2 of 4 stars). 2 submissions from 2 submitters: Benign (2). Last evaluated 2019-01-13.

Allele frequency attached by ClinVar (database versions not stated): gnomAD 0.16367 and 0.16453; 1000 Genomes Project 30x 0.18036; TOPMed 0.16963; 1000 Genomes Project 0.18151; gnomAD exomes 0.12569.

Submissions (2):

GeneDx
Classification: Benign. Last evaluated: 2019-01-13. Review status: criteria provided, single submitter. Criteria: GeneDx Variant Classification Process June 2021. Collection method: clinical testing. Allele origin: germline. Affected: yes.
Comment: This variant is associated with the following publications: (PMID: 16500948)

Breakthrough Genomics
Classification: Benign. Review status: criteria provided, single submitter. Criteria: ACMG Guidelines, 2015. Collection method: not provided. Allele origin: germline. Inheritance: Autosomal recessive inheritance. Affected: yes.

NM_198843.3(SFTPB):c.-69+93G>A

Gene: SFTPB (surfactant protein B; minus strand). Cytogenetic location: 2p11.2.
Variant type: single nucleotide variant.
Coding change: c.-69+93G>A on transcript NM_198843.3; 93 bases into the intron after 69 bases upstream of the start codon, G replaced by A.
Molecular consequence: intron variant.
Genome position (GRCh38, 1-based): chr2:85,668,581, C>T on the plus strand (G>A on the coding strand, the complement: SFTPB is on the minus strand). VCF-style: chr2-85668581-C-T. GRCh37 (hg19) VCF-style: chr2-85895704-C-T.
Identifiers: ClinVar variation 1271864 (VCV001271864.4), dbSNP rs3024791, ClinGen allele CA15173256.